The following is an entry in ClinVar:

ClinVar aggregate classification (germline): Uncertain significance (1 of 4 stars; one submission).

Conditions:
Inborn genetic diseases. Identifiers: MedGen C0950123, MeSH D030342.

Submission:

Ambry Genetics
Classification: Uncertain significance for Inborn genetic diseases. Last evaluated: 2024-06-21. Review status: criteria provided, single submitter. Criteria: Ambry Variant Classification Scheme 2023. Collection method: clinical testing. Allele origin: germline.
Comment: The p.T510P variant (also known as c.1528A>C), located in coding exon 12 of the F2 gene, results from an A to C substitution at nucleotide position 1528. The threonine at codon 510 is replaced by proline, an amino acid with highly similar properties. This amino acid position is conserved. In addition, the in silico prediction for this alteration is inconclusive. Based on the available evidence, the clinical significance of this variant remains unclear.

NM_000506.5(F2):c.1528A>C (p.Thr510Pro)

Gene: F2 (coagulation factor II, thrombin; plus strand). Cytogenetic location: 11p11.2.
Variant type: single nucleotide variant.
Coding change: c.1528A>C on transcript NM_000506.5 (MANE Select); coding-DNA position 1528, A replaced by C.
Protein change: p.Thr510Pro; replaces threonine 510 with proline.
Molecular consequence: missense variant.
Genome position (GRCh38, 1-based): chr11:46,729,435, A>C. VCF-style: chr11-46729435-A-C. GRCh37 (hg19) VCF-style: chr11-46750985-A-C.
Other names: short protein forms T510P.
Identifiers: ClinVar variation 3276946 (VCV003276946.1).
Genomic context (GRCh38, chr11:46,729,435, plus strand): 5'-CAAAGCTTGCTCCAGGCTGGATACAAGGGGCGGGTGACAGGCTGGGGCAACCTGAAGGAG[A>C]CGTGGACAGCCAACGTTGGTAAGGGGCAGCCCAGTGTCCTGCAGGTGGTGAACCTGCCCA-3'
Protein context (NP_000497.1, residues 500-520): RVTGWGNLKE[Thr510Pro]WTANVGKGQP